The following is an entry in ClinVar:

NM_207015.3(NAALADL2):c.693G>A (p.Val231=)

Gene: NAALADL2 (N-acetylated alpha-linked acidic dipeptidase like 2; plus strand). Cytogenetic location: 3q26.31.
Variant type: single nucleotide variant.
Coding change: c.693G>A on transcript NM_207015.3 (MANE Select); coding-DNA position 693, G replaced by A.
Protein change: p.Val231=; no amino-acid change (valine 231 retained).
Molecular consequence: synonymous variant.
Genome position (GRCh38, 1-based): chr3:175,234,078, G>A. VCF-style: chr3-175234078-G-A. GRCh37 (hg19) VCF-style: chr3-174951868-G-A.
Identifiers: ClinVar variation 3054338 (VCV003054338.2), dbSNP rs2529933561, ClinGen allele CA436971962.

ClinVar aggregate classification (germline): Likely benign (0 of 4 stars; one submission).

Conditions:
NAALADL2-related disorder. Also called: NAALADL2-related condition.

Allele frequency attached by ClinVar (database versions not stated): gnomAD exomes below 0.00001.
gnomAD v4.1: 4 of 1,613,900 alleles (0.00025%); highest among the groups gnomAD compares: Non-Finnish European, 0.00034%; no homozygotes.

Submission:

PreventionGenetics, part of Exact Sciences
Classification: Likely benign for NAALADL2-related condition. Last evaluated: 2023-11-16. Review status: no assertion criteria provided. Collection method: clinical testing. Allele origin: germline.
Comment: This variant is classified as likely benign based on ACMG/AMP sequence variant interpretation guidelines (Richards et al. 2015 PMID: 25741868, with internal and published modifications).